The following is an entry in ClinVar:

NM_001042492.3(NF1):c.1185+7G>C

Gene: NF1 (neurofibromin 1; plus strand). Cytogenetic location: 17q11.2.
Variant type: single nucleotide variant.
Coding change: c.1185+7G>C on transcript NM_001042492.3 (MANE Select); 7 bases into the intron after coding-DNA position 1185, G replaced by C.
Molecular consequence: intron variant.
Genome position (GRCh38, 1-based): chr17:31,201,166, G>C. VCF-style: chr17-31201166-G-C. GRCh37 (hg19) VCF-style: chr17-29528184-G-C.
Other names: c.1185+7G>C (NM_000267.4, NM_001128147.3).
Identifiers: ClinVar variation 457520 (VCV000457520.14), dbSNP rs1322791959, ClinGen allele CA658656578.

ClinVar aggregate classification (germline): Conflicting classifications of pathogenicity. Review status: criteria provided, conflicting classifications (1 of 4 stars). 3 submissions from 3 submitters: Uncertain significance (1); Likely benign (2). Last evaluated 2026-05-11.

Conditions:
Neurofibromatosis, type 1 (NF1). Also called: Peripheral type neurofibromatosis; Neurofibromatosis, type I; VON RECKLINGHAUSEN DISEASE; NEUROFIBROMATOSIS, TYPE I, SOMATIC. Identifiers: Orphanet 636, MedGen C0027831, MONDO:0018975, OMIM 162200. Disease mechanism: loss of function.

Submissions (3):

Myriad Genetics, Inc.
Classification: Likely benign for Neurofibromatosis, type 1. Last evaluated: 2026-05-11. Review status: criteria provided, single submitter. Criteria: Myriad Autosomal Dominant, Autosomal Recessive and X-Linked Classification Criteria (2023). Collection method: clinical testing. Allele origin: unknown.
Comment: This variant is considered likely benign. This variant is intronic and is not expected to impact mRNA splicing.

Labcorp Genetics (formerly Invitae), Labcorp
Classification: Likely benign for Neurofibromatosis, type 1. Last evaluated: 2026-02-03. Review status: criteria provided, single submitter. Criteria: Invitae Variant Classification Sherloc (09022015). Collection method: clinical testing. Allele origin: germline.

Mendelics
Classification: Uncertain significance for Neurofibromatosis, type 1. Last evaluated: 2019-05-28. Review status: criteria provided, single submitter. Criteria: Mendelics Assertion Criteria 2017. Collection method: clinical testing. Allele origin: unknown.